The following is an entry in ClinVar:

NM_012448.4(STAT5B):c.1213_1229del (p.Tyr405fs)

Gene: STAT5B (signal transducer and activator of transcription 5B; minus strand). Cytogenetic location: 17q21.2.
Variant type: Deletion.
Coding change: c.1213_1229del on transcript NM_012448.4 (MANE Select); coding-DNA positions 1213 to 1229, 17 bases deleted (TACCACCAAGCCACAGG).
Protein change: p.Tyr405fs; shifts the reading frame from tyrosine 405.
Molecular consequence: frameshift variant.
Genome position (GRCh38, 1-based): chr17:42,217,405-42,217,421, CCTGTGGCTTGGTGGTA deleted on the plus strand (TACCACCAAGCCACAGG on the coding strand, the reverse complement: STAT5B is on the minus strand); deleting any 17 consecutive bases within chr17:42,217,405-42,217,422 gives the same sequence; the c. name uses the placement nearest the transcript's 3' end. VCF-style (leftmost placement, unchanged base first): chr17-42217404-GCCTGTGGCTTGGTGGTA-G. GRCh37 (hg19) VCF-style: chr17-40369422-GCCTGTGGCTTGGTGGTA-G.
Other names: short protein forms Y405fs.
Identifiers: ClinVar variation 2840836 (VCV002840836.3), dbSNP rs1000458475, ClinGen allele CA290741397.

ClinVar aggregate classification (germline): Pathogenic (1 of 4 stars; one submission).

Conditions:
Growth hormone insensitivity with immune dysregulation 1, autosomal recessive. Also called: GROWTH HORMONE INSENSITIVITY DUE TO POSTRECEPTOR DEFECT; Laron syndrome with immunodeficiency; GROWTH HORMONE INSENSITIVITY SYNDROME WITH IMMUNE DYSREGULATION 1, AUTOSOMAL RECESSIVE; LARON SYNDROME DUE TO POSTRECEPTOR DEFECT. Identifiers: Orphanet 220465, MedGen C5435698, MONDO:0100211, OMIM 245590.

Submission:

Labcorp Genetics (formerly Invitae), Labcorp
Classification: Pathogenic for Growth hormone insensitivity with immune dysregulation 1, autosomal recessive. Last evaluated: 2023-02-25. Review status: criteria provided, single submitter. Criteria: Invitae Variant Classification Sherloc (09022015). Collection method: clinical testing. Allele origin: germline.
Comment: This variant has not been reported in the literature in individuals affected with STAT5B-related conditions. For these reasons, this variant has been classified as Pathogenic. Algorithms developed to predict the effect of sequence changes on RNA splicing suggest that this variant may disrupt the consensus splice site. This variant is not present in population databases (gnomAD no frequency). This sequence change creates a premature translational stop signal (p.Tyr405Hisfs*3) in the STAT5B gene. It is expected to result in an absent or disrupted protein product. Loss-of-function variants in STAT5B are known to be pathogenic (PMID: 15827093).

Literature cited by the submitters: PubMed 15827093.